The following is an entry in ClinVar:

NM_001184.4(ATR):c.7912C>T (p.Leu2638Phe)

Gene: ATR (ATR checkpoint kinase; minus strand). Cytogenetic location: 3q23.
Variant type: single nucleotide variant.
Coding change: c.7912C>T on transcript NM_001184.4 (MANE Select); coding-DNA position 7912, C replaced by T.
Protein change: p.Leu2638Phe; replaces leucine 2638 with phenylalanine.
Molecular consequence: missense variant.
Genome position (GRCh38, 1-based): chr3:142,449,452, G>A on the plus strand (C>T on the coding strand, the complement: ATR is on the minus strand). VCF-style: chr3-142449452-G-A. GRCh37 (hg19) VCF-style: chr3-142168294-G-A.
Other names: c.7720C>T, p.Leu2574Phe (NM_001354579.2); short protein forms L2574F, L2638F.
Identifiers: ClinVar variation 2746667 (VCV002746667.3), dbSNP rs2473008592, ClinGen allele CA354793659.
Genomic context (GRCh38, chr3:142,449,452, plus strand): 5'-TTTAGATTATTAACATATTCTTTTACATAATTTCATTTCACATATATGGAGTCCAACCAA[G>A]ATACATCTGGCATAGTAAGTTTTCATCAGTAGCTTCCTGTATAAGGTAATGCACATGTCC-3'
Protein context (NP_001175.2, residues 2628-2644): TDENLLCQMY[Leu2638Phe]GWTPYM

ClinVar aggregate classification (germline): Uncertain significance (1 of 4 stars; one submission).

Submission:

Labcorp Genetics (formerly Invitae), Labcorp
Classification: Uncertain significance. Last evaluated: 2023-11-27. Review status: criteria provided, single submitter. Criteria: Invitae Variant Classification Sherloc (09022015). Collection method: clinical testing. Allele origin: germline.
Comment: This sequence change replaces leucine, which is neutral and non-polar, with phenylalanine, which is neutral and non-polar, at codon 2638 of the ATR protein (p.Leu2638Phe). This variant is not present in population databases (gnomAD no frequency). This variant has not been reported in the literature in individuals affected with ATR-related conditions. An algorithm developed to predict the effect of missense changes on protein structure and function (PolyPhen-2) suggests that this variant is likely to be disruptive. In summary, the available evidence is currently insufficient to determine the role of this variant in disease. Therefore, it has been classified as a Variant of Uncertain Significance.